The following is an entry in ClinVar:

ClinVar aggregate classification (germline): Uncertain significance (1 of 4 stars; one submission).

Conditions:
Inosine triphosphatase deficiency. Also called: INOSINE TRIPHOSPHATE PYROPHOSPHOHYDROLASE DEFICIENCY. Identifiers: MedGen C0342800, MONDO:0013461, OMIM 613850.

Allele frequency attached by ClinVar (database versions not stated): gnomAD exomes below 0.00001 and 0.00001; TOPMed below 0.00001.
gnomAD v4.1: 2 of 1,604,604 alleles (0.00012%); highest among the groups gnomAD compares: East Asian, 0.0022%; no homozygotes.

Submission:

Labcorp Genetics (formerly Invitae), Labcorp
Classification: Uncertain significance for Inosine triphosphatase deficiency. Last evaluated: 2024-02-23. Review status: criteria provided, single submitter. Criteria: Invitae Variant Classification Sherloc (09022015). Collection method: clinical testing. Allele origin: germline.
Comment: This sequence change falls in intron 6 of the ITPA gene. It does not directly change the encoded amino acid sequence of the ITPA protein. It affects a nucleotide within the consensus splice site. The frequency data for this variant in the population databases is considered unreliable, as metrics indicate poor data quality at this position in the gnomAD database. This variant has not been reported in the literature in individuals affected with ITPA-related conditions. ClinVar contains an entry for this variant (Variation ID: 1004907). Variants that disrupt the consensus splice site are a relatively common cause of aberrant splicing (PMID: 17576681, 9536098). Algorithms developed to predict the effect of sequence changes on RNA splicing suggest that this variant is not likely to affect RNA splicing. In summary, the available evidence is currently insufficient to determine the role of this variant in disease. Therefore, it has been classified as a Variant of Uncertain Significance.

Literature cited by the submitters: PubMed 17576681; PubMed 9536098.

NM_033453.4(ITPA):c.411+4C>T

Genes: ITPA (inosine triphosphatase; plus strand), LOC130065322 (ATAC-STARR-seq lymphoblastoid silent region 12615; plus strand). Cytogenetic location: 20p13.
Variant type: single nucleotide variant.
Coding change: c.411+4C>T on transcript NM_033453.4 (MANE Select); 4 bases into the intron after coding-DNA position 411, C replaced by T.
Molecular consequence: intron variant.
Genome position (GRCh38, 1-based): chr20:3,218,636, C>T. VCF-style: chr20-3218636-C-T. GRCh37 (hg19) VCF-style: chr20-3199282-C-T.
Other names: c.74+4C>T (NM_001324237.2, NM_001324238.2, NM_001324236.2 and 1 more transcripts); c.411+4C>T (NM_001324240.2); c.288+4C>T (NM_001267623.2); c.360+4C>T (NM_181493.4).
Identifiers: ClinVar variation 1004907 (VCV001004907.7), dbSNP rs1228664891, ClinGen allele CA634172826.